The following is an entry in ClinVar:

ClinVar aggregate classification (germline): Uncertain significance (1 of 4 stars; one submission).

Conditions:
Spastic paraplegia. Identifiers: MedGen C0037772, HP:0001258.

Allele frequency attached by ClinVar (database versions not stated): gnomAD exomes 0.00002; TOPMed 0.00002; gnomAD 0.00003.
gnomAD v4.1: 32 of 1,613,638 alleles (0.002%); highest among the groups gnomAD compares: Admixed American, 0.013%; no homozygotes.

Submission:

Labcorp Genetics (formerly Invitae), Labcorp
Classification: Uncertain significance for Spastic paraplegia. Last evaluated: 2022-05-11. Review status: criteria provided, single submitter. Criteria: Invitae Variant Classification Sherloc (09022015). Collection method: clinical testing. Allele origin: germline.
Comment: This sequence change replaces threonine, which is neutral and polar, with alanine, which is neutral and non-polar, at codon 177 of the CYP7B1 protein (p.Thr177Ala). This variant is present in population databases (no rsID available, gnomAD 0.02%). This variant has not been reported in the literature in individuals affected with CYP7B1-related conditions. Algorithms developed to predict the effect of missense changes on protein structure and function are either unavailable or do not agree on the potential impact of this missense change (SIFT: "Tolerated"; PolyPhen-2: "Possibly Damaging"; Align-GVGD: "Class C0"). In summary, the available evidence is currently insufficient to determine the role of this variant in disease. Therefore, it has been classified as a Variant of Uncertain Significance.

NM_004820.5(CYP7B1):c.529A>G (p.Thr177Ala)

Gene: CYP7B1 (cytochrome P450 family 7 subfamily B member 1; minus strand). Cytogenetic location: 8q12.3.
Variant type: single nucleotide variant.
Coding change: c.529A>G on transcript NM_004820.5 (MANE Select); coding-DNA position 529, A replaced by G.
Protein change: p.Thr177Ala; replaces threonine 177 with alanine.
Molecular consequence: missense variant.
Genome position (GRCh38, 1-based): chr8:64,616,012, T>C on the plus strand (A>G on the coding strand, the complement: CYP7B1 is on the minus strand). VCF-style: chr8-64616012-T-C. GRCh37 (hg19) VCF-style: chr8-65528569-T-C.
Other names: c.529A>G, p.Thr177Ala (NM_001324112.2); short protein forms T177A.
Identifiers: ClinVar variation 1987385 (VCV001987385.1), dbSNP rs977684867, ClinGen allele CA178389691.